The following is an entry in ClinVar:

NM_000355.4(TCN2):c.903C>T (p.Tyr301=)

Gene: TCN2 (transcobalamin 2; plus strand). Cytogenetic location: 22q12.2.
Variant type: single nucleotide variant.
Coding change: c.903C>T on transcript NM_000355.4 (MANE Select); coding-DNA position 903, C replaced by T.
Protein change: p.Tyr301=; no amino-acid change (tyrosine 301 retained).
Molecular consequence: synonymous variant.
Genome position (GRCh38, 1-based): chr22:30,615,750, C>T. VCF-style: chr22-30615750-C-T. GRCh37 (hg19) VCF-style: chr22-31011737-C-T.
Other names: p.Tyr301=; c.822C>T, p.Tyr274= (NM_001184726.2).
Identifiers: ClinVar variation 341205 (VCV000341205.48), dbSNP rs146036025, ClinGen allele CA10184878.
Genomic context (GRCh38, chr22:30,615,750, plus strand): 5'-AGCCTTCCAGAATGCTCTCATGATTTCCCAGCTGCTGCCCGTTCTGAACCACAAGACCTA[C>T]ATTGATCTGATCTTCCCAGACTGTCTGGCACCACGAGGTAGCCCAACTTTTTGTGGAAGC-3'
Protein context (NP_000346.2, residues 291-311): QLLPVLNHKT[Tyr301=]IDLIFPDCLA

ClinVar aggregate classification (germline): Conflicting classifications of pathogenicity. Review status: criteria provided, conflicting classifications (1 of 4 stars). 6 submissions from 6 submitters: Uncertain significance (1); Likely benign (5). Last evaluated 2026-01-06.

Conditions:
TCN2-related disorder. Also called: TCN2-related condition.
Transcobalamin II deficiency (TCN2D). Also called: Transcolabamin II deficiency; TC II DEFICIENCY; TCN2 DEFICIENCY. Identifiers: Orphanet 859, MedGen C0342701, MONDO:0010149, OMIM 275350.

Allele frequency attached by ClinVar (database versions not stated): gnomAD exomes 0.00016 and 0.00041; TOPMed 0.00022; gnomAD 0.00026 and 0.00028; ExAC 0.00046; ESP Exome Variant Server 0.00046.
gnomAD v4.1: 308 of 1,614,250 alleles (0.019%); highest among the groups gnomAD compares: Middle Eastern, 0.28%; 1 homozygote.

Submissions (6):

Labcorp Genetics (formerly Invitae), Labcorp
Classification: Likely benign for Transcobalamin II deficiency. Last evaluated: 2026-01-06. Review status: criteria provided, single submitter. Criteria: Invitae Variant Classification Sherloc (09022015). Collection method: clinical testing. Allele origin: germline.

Mayo Clinic Laboratories, Mayo Clinic
Classification: Likely benign. Last evaluated: 2025-09-05. Review status: criteria provided, single submitter. Criteria: ACMG Guidelines, 2015. Collection method: clinical testing. Allele origin: germline. Observed: 2 variant alleles.
Comment: BP4, BP7

CeGaT Center for Human Genetics Tuebingen
Classification: Likely benign. Last evaluated: 2024-12-01. Review status: criteria provided, single submitter. Criteria: CeGaT Center For Human Genetics Tuebingen Variant Classification Criteria Version 2. Collection method: clinical testing. Allele origin: germline. Affected: yes. Observed: 2 variant alleles.
Comment: TCN2: BP4, BP7

Blueprint Genetics
Classification: Likely benign. Last evaluated: 2024-11-24. Review status: criteria provided, single submitter. Criteria: ACMG Guidelines, 2015. Collection method: clinical testing. Allele origin: germline.

PreventionGenetics, part of Exact Sciences
Classification: Likely benign for TCN2-related condition. Last evaluated: 2024-10-14. Review status: criteria provided, single submitter. Criteria: ACMG Guidelines, 2015. Collection method: clinical testing. Allele origin: germline.
Comment: This variant is classified as likely benign based on ACMG/AMP sequence variant interpretation guidelines (Richards et al. 2015 PMID: 25741868, with internal and published modifications).

Illumina Laboratory Services, Illumina
Classification: Uncertain significance for Transcobalamin II deficiency. Last evaluated: 2018-01-12. Review status: criteria provided, single submitter. Criteria: ICSL Variant Classification Criteria 13 December 2019. Collection method: clinical testing. Allele origin: germline.